The following is an entry in ClinVar:

NM_006567.5(FARS2):c.737C>T (p.Thr246Met)

Gene: FARS2 (phenylalanyl-tRNA synthetase 2, mitochondrial; plus strand). Cytogenetic location: 6p25.1.
Variant type: single nucleotide variant.
Coding change: c.737C>T on transcript NM_006567.5 (MANE Select); coding-DNA position 737, C replaced by T.
Protein change: p.Thr246Met; replaces threonine 246 with methionine.
Molecular consequence: missense variant.
Genome position (GRCh38, 1-based): chr6:5,404,666, C>T. VCF-style: chr6-5404666-C-T. GRCh37 (hg19) VCF-style: chr6-5404899-C-T.
Other names: p.T246M:ACG>ATG; c.737C>T, p.Thr246Met (NM_001318872.2, NM_001374875.1, NM_001374876.1 and 5 more transcripts); c.41C>T, p.Thr14Met (NM_001375259.1, NM_001375260.1); short protein forms T246M, T14M.
Identifiers: ClinVar variation 137291 (VCV000137291.58), dbSNP rs116567033, ClinGen allele CA290843.
Genomic context (GRCh38, chr6:5,404,666, plus strand): 5'-ATAAACAAGAGACACACACCATGGAGGCCGTGAAGCTTGTAGAGTTTGATCTTAAGCAAA[C>T]GCTTACCAGGCTCATGGCACATCTTTTTGGAGATGGTAAGTGCTCAAACACAGGTTGACG-3'
Protein context (NP_006558.1, residues 236-256): VKLVEFDLKQ[Thr246Met]LTRLMAHLFG

ClinVar aggregate classification (germline): Benign/Likely benign. Review status: criteria provided, multiple submitters, no conflicts (2 of 4 stars). 8 submissions from 8 submitters: Benign (2); Likely benign (5). 1 of the submissions does not count toward it. Last evaluated 2026-10-01.

Conditions:
Combined oxidative phosphorylation defect type 14. Also called: Combined oxidative phosphorylation deficiency 14. Identifiers: MedGen C4755312, MONDO:0013986, OMIM 614946, Orphanet 319519.

Allele frequency attached by ClinVar (database versions not stated): 1000 Genomes Project 0.00319; 1000 Genomes Project 30x 0.00344; gnomAD exomes 0.00413 and 0.00688; ExAC 0.00415; gnomAD 0.00450 and 0.00455; ESP Exome Variant Server 0.00477; TOPMed 0.00493.
gnomAD v4.1: 10,638 of 1,606,620 alleles (0.66%); highest among the groups gnomAD compares: Non-Finnish European, 0.81%; 55 homozygotes.

Submissions (8):

CeGaT Center for Human Genetics Tuebingen
Classification: Likely benign. Last evaluated: 2026-10-01. Review status: criteria provided, single submitter. Criteria: CeGaT Center For Human Genetics Tuebingen Variant Classification Criteria Version 2. Collection method: clinical testing. Allele origin: germline. Affected: yes. Observed: 57 variant alleles.
Comment: FARS2: BP4, BS2

Labcorp Genetics (formerly Invitae), Labcorp
Classification: Benign for Combined oxidative phosphorylation defect type 14. Last evaluated: 2026-02-03. Review status: criteria provided, single submitter. Criteria: Invitae Variant Classification Sherloc (09022015). Collection method: clinical testing. Allele origin: germline.

ARUP Laboratories, Molecular Genetics and Genomics, ARUP Laboratories
Classification: Likely benign. Last evaluated: 2024-11-12. Review status: criteria provided, single submitter. Criteria: ARUP Molecular Germline Variant Investigation Process 2024. Collection method: clinical testing. Allele origin: germline.

Mendelics
Classification: Likely benign for Combined oxidative phosphorylation defect type 14. Last evaluated: 2019-05-28. Review status: criteria provided, single submitter. Criteria: Mendelics Assertion Criteria 2017. Collection method: clinical testing. Allele origin: unknown.

Wong Mito Lab, Molecular and Human Genetics, Baylor College of Medicine
Classification: Likely benign for Combined oxidative phosphorylation deficiency 14. Last evaluated: 2018-06-13. Review status: criteria provided, single submitter. Criteria: ACMG Guidelines, 2015. Collection method: clinical testing. Allele origin: germline.

GeneDx
Classification: Benign. Last evaluated: 2014-04-02. Review status: criteria provided, single submitter. Criteria: GeneDx Variant Classification (06012015). Collection method: clinical testing. Allele origin: germline. Affected: yes.
Comment: This variant is considered likely benign or benign based on one or more of the following criteria: it is a conservative change, it occurs at a poorly conserved position in the protein, it is predicted to be benign by multiple in silico algorithms, and/or has population frequency not consistent with disease.

Breakthrough Genomics
Classification: Likely benign. Review status: criteria provided, single submitter. Criteria: ACMG Guidelines, 2015. Collection method: not provided. Allele origin: germline. Inheritance: Autosomal recessive inheritance. Affected: yes.

Mayo Clinic Laboratories, Mayo Clinic
Classification: Uncertain significance. Last evaluated: 2016-02-23. Review status: no assertion criteria provided. Collection method: clinical testing. Allele origin: unknown. Not counted in ClinVar's aggregate classification.